The following is an entry in ClinVar:

ClinVar aggregate classification (germline): Conflicting classifications of pathogenicity. Review status: criteria provided, conflicting classifications (1 of 4 stars). 5 submissions from 5 submitters: Uncertain significance (4); Likely benign (1). Last evaluated 2026-02-11.

Conditions:
Colorectal cancer. Also called: Colorectal cancer, somatic; Malignant Colorectal Neoplasm. Identifiers: MedGen C0346629, MONDO:0005575, OMIM 114500.
Hereditary cancer-predisposing syndrome. Also called: Hereditary neoplastic syndrome; Neoplastic Syndromes, Hereditary; Tumor predisposition; Hereditary Cancer Syndrome. Identifiers: Orphanet 140162, MedGen C0027672, MeSH D009386, MONDO:0015356.
Oligodontia-cancer predisposition syndrome. Also called: TOOTH AGENESIS-COLORECTAL CANCER SYNDROME. Identifiers: Orphanet 300576, MedGen C1837750, MONDO:0012075, OMIM 608615. Disease mechanism: loss of function.

Allele frequency attached by ClinVar (database versions not stated): gnomAD exomes below 0.00001.
gnomAD v4.1: 2 of 1,613,794 alleles (0.00012%); highest among the groups gnomAD compares: East Asian, 0.0022%; no homozygotes.

Submissions (5):

St. Jude Molecular Pathology, St. Jude Children's Research Hospital
Classification: Uncertain significance for Oligodontia-cancer predisposition syndrome. Last evaluated: 2026-02-11. Review status: criteria provided, single submitter. Criteria: St. Jude Assertion Criteria 2020. Collection method: clinical testing. Allele origin: germline.
Comment: The AXIN2 c.1516G>A p.(Val506Met) missense change has a maximum subpopulation frequency of 0.005% in gnomAD v2.1.1. The in silico tool REVEL predicts a benign effect on protein function, but to our knowledge this prediction has not been confirmed by functional studies. To our knowledge, this variant has not been reported in the literature in individuals with oligodontia-cancer predisposition syndrome. In summary, the evidence currently available is insufficient to determine the clinical significance of this variant. It has therefore been classified as of uncertain significance.

Labcorp Genetics (formerly Invitae), Labcorp
Classification: Uncertain significance for Oligodontia-cancer predisposition syndrome. Last evaluated: 2025-10-08. Review status: criteria provided, single submitter. Criteria: Invitae Variant Classification Sherloc (09022015). Collection method: clinical testing. Allele origin: germline.
Comment: This sequence change replaces valine, which is neutral and non-polar, with methionine, which is neutral and non-polar, at codon 506 of the AXIN2 protein (p.Val506Met). The frequency data for this variant in the population databases is considered unreliable, as metrics indicate poor data quality at this position in the gnomAD database. This variant has not been reported in the literature in individuals affected with AXIN2-related conditions. ClinVar contains an entry for this variant (Variation ID: 533165). Invitae Evidence Modeling of protein sequence and biophysical properties (such as structural, functional, and spatial information, amino acid conservation, physicochemical variation, residue mobility, and thermodynamic stability) indicates that this missense variant is not expected to disrupt AXIN2 protein function with a negative predictive value of 80%. In summary, the available evidence is currently insufficient to determine the role of this variant in disease. Therefore, it has been classified as a Variant of Uncertain Significance.

Ambry Genetics
Classification: Likely benign for Hereditary cancer-predisposing syndrome. Last evaluated: 2023-11-18. Review status: criteria provided, single submitter. Criteria: Ambry Variant Classification Scheme 2023. Collection method: clinical testing. Allele origin: germline.

Baylor Genetics
Classification: Uncertain significance for Colorectal cancer. Last evaluated: 2023-05-05. Review status: criteria provided, single submitter. Criteria: ACMG Guidelines, 2015. Collection method: clinical testing. Allele origin: unknown.

Sema4
Classification: Uncertain significance for Hereditary cancer-predisposing syndrome. Last evaluated: 2022-01-19. Review status: criteria provided, single submitter. Criteria: Sema4 Curation Guidelines. Collection method: curation. Allele origin: germline.
Comment: The AXIN2 c.1516G>A (p.V506M) variant has not been reported in the literature to our knowledge. It was observed in 1/18390 chromosomes of the East Asian subpopulation in the large and broad cohorts of the Genome Aggregation Database (PMID: 32461654). This variant has been reported in ClinVar (Variation ID 533165). Functional studies have not been performed, and in silico predictions of the variant's effect on protein function are inconclusive. The evidence is insufficient to meet ACMG/AMP criteria for classifying the variant as benign or pathogenic. Thus, the clinical significance of this variant is currently uncertain.

NM_004655.4(AXIN2):c.1516G>A (p.Val506Met)

Gene: AXIN2 (axin 2; minus strand). Cytogenetic location: 17q24.1.
Variant type: single nucleotide variant.
Coding change: c.1516G>A on transcript NM_004655.4 (MANE Select); coding-DNA position 1516, G replaced by A.
Protein change: p.Val506Met; replaces valine 506 with methionine.
Molecular consequence: missense variant.
Genome position (GRCh38, 1-based): chr17:65,537,520, C>T on the plus strand (G>A on the coding strand, the complement: AXIN2 is on the minus strand). VCF-style: chr17-65537520-C-T. GRCh37 (hg19) VCF-style: chr17-63533638-C-T.
Other names: c.1516G>A, p.Val506Met (NM_001363813.1); c.1516G>A (LRG_296t1); short protein forms V506M.
Identifiers: ClinVar variation 533165 (VCV000533165.15), dbSNP rs1250017056, ClinGen allele CA400677356.